The following is an entry in ClinVar:

ClinVar aggregate classification (germline): Uncertain significance (1 of 4 stars; one submission).

Submission:

Women's Health and Genetics/Laboratory Corporation of America, LabCorp
Classification: Uncertain significance. Last evaluated: 2024-09-19. Review status: criteria provided, single submitter. Criteria: LabCorp Variant Classification Summary - May 2015. Collection method: clinical testing. Allele origin: germline.
Comment: Variant summary: AP3D1 c.1714-6C>T alters a non-conserved nucleotide located close to a canonical splice site and therefore could affect mRNA splicing, leading to a significantly altered protein sequence. Consensus agreement among computation tools predict no significant impact on normal splicing. However, these predictions have yet to be confirmed by functional studies. The variant was absent in 222546 control chromosomes. The available data on variant occurrences in the general population are insufficient to allow any conclusion about variant significance. To our knowledge, no occurrence of c.1714-6C>T in individuals affected with Hermansky-Pudlak Syndrome and no experimental evidence demonstrating its impact on protein function have been reported. No submitters have cited clinical-significance assessments for this variant to ClinVar. Based on the evidence outlined above, the variant was classified as uncertain significance.

NM_001261826.3(AP3D1):c.1714-6C>T

Gene: AP3D1 (adaptor related protein complex 3 subunit delta 1; minus strand). Cytogenetic location: 19p13.3.
Variant type: single nucleotide variant.
Coding change: c.1714-6C>T on transcript NM_001261826.3 (MANE Select); 6 bases into the intron before coding-DNA position 1714, C replaced by T.
Molecular consequence: intron variant.
Genome position (GRCh38, 1-based): chr19:2,117,373, G>A on the plus strand (C>T on the coding strand, the complement: AP3D1 is on the minus strand). VCF-style: chr19-2117373-G-A. GRCh37 (hg19) VCF-style: chr19-2117372-G-A.
Other names: c.1714-6C>T (NM_003938.8, NM_001374799.1).
Identifiers: ClinVar variation 3375373 (VCV003375373.1).
Genomic context (GRCh38, chr19:2,117,373, plus strand): 5'-CGTCCTTGGCCTGAAGCTTCTGGATGTGCTTGACCAGCTGCAGGATGCAGGACGCCTGTG[G>A]GGGACACAGGGGTCACTGCTGGCACCTGCCCGGAAGGCCACTCGGCCACCTTCAGGGACA-3'